The following is an entry in ClinVar:

ClinVar aggregate classification (germline): Uncertain significance (1 of 4 stars; one submission).

gnomAD v4.1: 48 of 1,611,292 alleles (0.003%); highest among the groups gnomAD compares: South Asian, 0.052%; no homozygotes.

Submission:

Ambry Genetics
Classification: Uncertain significance. Last evaluated: 2025-02-20. Review status: criteria provided, single submitter. Criteria: Ambry Variant Classification Scheme 2023. Collection method: clinical testing. Allele origin: germline.
Comment: The p.A1094V variant (also known as c.3281C>T), located in coding exon 12 of the WNK2 gene, results from a C to T substitution at nucleotide position 3281. The alanine at codon 1094 is replaced by valine, an amino acid with similar properties. This amino acid position is conserved. In addition, this alteration is predicted to be tolerated by in silico analysis. Based on the available evidence, the clinical significance of this variant remains unclear.

NM_006648.4(WNK2):c.3281C>T (p.Ala1094Val)

Gene: WNK2 (WNK lysine deficient protein kinase 2; plus strand). Cytogenetic location: 9q22.31.
Variant type: single nucleotide variant.
Coding change: c.3281C>T on transcript NM_006648.4 (MANE Select); coding-DNA position 3281, C replaced by T.
Protein change: p.Ala1094Val; replaces alanine 1094 with valine.
Molecular consequence: missense variant.
Genome position (GRCh38, 1-based): chr9:93,262,028, C>T. VCF-style: chr9-93262028-C-T. GRCh37 (hg19) VCF-style: chr9-96024310-C-T.
Other names: c.3281C>T, p.Ala1094Val (NM_001282394.3); short protein forms A1094V.
Identifiers: ClinVar variation 3817116 (VCV003817116.1).